The following is an entry in ClinVar:

ClinVar aggregate classification (germline): Uncertain significance (1 of 4 stars; one submission).

Conditions:
Ataxia-telangiectasia syndrome (AT). Also called: ATAXIA-TELANGIECTASIA, FRESNO VARIANT; Ataxia-telangiectasia, complementation group D; AT, COMPLEMENTATION GROUP C; Ataxia-telangiectasia; Ataxia-telangiectasia, complementation group E; Ataxia telangiectasia (A-T). Identifiers: Orphanet 100, MedGen C0004135, MONDO:0008840, OMIM 208900.

Submission:

Labcorp Genetics (formerly Invitae), Labcorp
Classification: Uncertain significance for Ataxia-telangiectasia syndrome. Last evaluated: 2021-08-28. Review status: criteria provided, single submitter. Criteria: Invitae Variant Classification Sherloc (09022015). Collection method: clinical testing. Allele origin: germline.
Comment: This sequence change replaces glutamic acid with aspartic acid at codon 1139 of the ATM protein (p.Glu1139Asp). The glutamic acid residue is weakly conserved and there is a small physicochemical difference between glutamic acid and aspartic acid. This variant is not present in population databases (ExAC no frequency). This variant has not been reported in the literature in individuals affected with ATM-related conditions. Algorithms developed to predict the effect of missense changes on protein structure and function (SIFT, PolyPhen-2, Align-GVGD) all suggest that this variant is likely to be tolerated. In summary, the available evidence is currently insufficient to determine the role of this variant in disease. Therefore, it has been classified as a Variant of Uncertain Significance.

NM_000051.4(ATM):c.3417G>C (p.Glu1139Asp)

Gene: ATM (ATM serine/threonine kinase; plus strand). Cytogenetic location: 11q22.3.
Variant type: single nucleotide variant.
Coding change: c.3417G>C on transcript NM_000051.4 (MANE Select); coding-DNA position 3417, G replaced by C.
Protein change: p.Glu1139Asp; replaces glutamic acid 1139 with aspartic acid.
Molecular consequence: missense variant.
Genome position (GRCh38, 1-based): chr11:108,281,009, G>C. VCF-style: chr11-108281009-G-C. GRCh37 (hg19) VCF-style: chr11-108151736-G-C.
Other names: c.3417G>C, p.Glu1139Asp (NM_001351834.2); short protein forms E1139D.
Identifiers: ClinVar variation 1062498 (VCV001062498.6), dbSNP rs879254069, ClinGen allele CA382518921.